The following is an entry in ClinVar:

ClinVar aggregate classification (germline): Pathogenic (1 of 4 stars; one submission).

Conditions:
Neurodegeneration with brain iron accumulation 5 (NBIA5). Also called: STATIC ENCEPHALOPATHY OF CHILDHOOD WITH NEURODEGENERATION IN ADULTHOOD; Beta-propeller protein-associated neurodegeneration. Identifiers: Orphanet 329284, MedGen C3550973, MONDO:0010476, OMIM 300894.

Submission:

Labcorp Genetics (formerly Invitae), Labcorp
Classification: Pathogenic for Neurodegeneration with brain iron accumulation 5. Last evaluated: 2023-06-09. Review status: criteria provided, single submitter. Criteria: Invitae Variant Classification Sherloc (09022015). Collection method: clinical testing. Allele origin: germline.
Comment: This sequence change creates a premature translational stop signal (p.Gln224*) in the WDR45 gene. It is expected to result in an absent or disrupted protein product. Loss-of-function variants in WDR45 are known to be pathogenic (PMID: 23176820, 24368176, 24621584, 25744623, 26790960, 27030146, 27652284, 28554332). For these reasons, this variant has been classified as Pathogenic. This variant has not been reported in the literature in individuals affected with WDR45-related conditions. This variant is not present in population databases (gnomAD no frequency).

Literature cited by the submitters: PubMed 23176820; PubMed 24368176; PubMed 24621584; PubMed 25744623; PubMed 26790960; PubMed 27030146; PubMed 27652284; PubMed 28554332.

NM_001029896.2(WDR45):c.667C>T (p.Gln223Ter)

Gene: WDR45 (WD repeat domain 45; minus strand). Cytogenetic location: Xp11.23.
Variant type: single nucleotide variant.
Coding change: c.667C>T on transcript NM_001029896.2 (MANE Select); coding-DNA position 667, C replaced by T.
Protein change: p.Gln223Ter; replaces glutamine 223 with a stop codon.
Molecular consequence: nonsense.
Genome position (GRCh38, 1-based): chrX:49,075,603, G>A on the plus strand (C>T on the coding strand, the complement: WDR45 is on the minus strand). VCF-style: chrX-49075603-G-A. GRCh37 (hg19) VCF-style: chrX-48933262-G-A.
Other names: c.670C>T, p.Gln224Ter (NM_007075.4); short protein forms Q224*, Q223*.
Identifiers: ClinVar variation 2704269 (VCV002704269.3), dbSNP rs2520261432, ClinGen allele CA412943799.